The following is an entry in ClinVar:

ClinVar aggregate classification (germline): Uncertain significance. Review status: criteria provided, multiple submitters, no conflicts (2 of 4 stars). 2 submissions from 2 submitters: Uncertain significance (2). Last evaluated 2025-12-27.

Conditions:
Ataxia-telangiectasia-like disorder (ATLD). Identifiers: MedGen C1858391, MONDO:0011457.
Hereditary cancer-predisposing syndrome. Also called: Hereditary Cancer Syndrome; Hereditary neoplastic syndrome; Neoplastic Syndromes, Hereditary; Tumor predisposition. Identifiers: Orphanet 140162, MedGen C0027672, MeSH D009386, MONDO:0015356.

gnomAD v4.1: 2 of 1,614,094 alleles (0.00012%); highest among the groups gnomAD compares: South Asian, 0.0011%; no homozygotes.

Submissions (2):

Labcorp Genetics (formerly Invitae), Labcorp
Classification: Uncertain significance for Ataxia-telangiectasia-like disorder. Last evaluated: 2025-12-27. Review status: criteria provided, single submitter. Criteria: Invitae Variant Classification Sherloc (09022015). Collection method: clinical testing. Allele origin: germline.
Comment: This sequence change replaces alanine, which is neutral and non-polar, with valine, which is neutral and non-polar, at codon 542 of the MRE11 protein (p.Ala542Val). This variant is not present in population databases (gnomAD no frequency). This variant has not been reported in the literature in individuals affected with MRE11-related conditions. ClinVar contains an entry for this variant (Variation ID: 3912876). An algorithm developed to predict the effect of missense changes on protein structure and function outputs the following: PolyPhen-2: "Benign". The valine amino acid residue is found in multiple mammalian species, which suggests that this missense change does not adversely affect protein function. In summary, the available evidence is currently insufficient to determine the role of this variant in disease. Therefore, it has been classified as a Variant of Uncertain Significance.

Ambry Genetics
Classification: Uncertain significance for Hereditary cancer-predisposing syndrome. Last evaluated: 2025-04-13. Review status: criteria provided, single submitter. Criteria: Ambry Variant Classification Scheme 2023. Collection method: clinical testing. Allele origin: germline.
Comment: The p.A542V variant (also known as c.1625C>T), located in coding exon 14 of the MRE11A gene, results from a C to T substitution at nucleotide position 1625. The alanine at codon 542 is replaced by valine, an amino acid with similar properties. This amino acid position is conserved. In addition, this alteration is predicted to be tolerated by in silico analysis. Based on the available evidence, the clinical significance of this variant remains unclear.

NM_005591.4(MRE11):c.1625C>T (p.Ala542Val)

Gene: MRE11 (MRE11 double strand break repair nuclease; minus strand). Cytogenetic location: 11q21.
Variant type: single nucleotide variant.
Coding change: c.1625C>T on transcript NM_005591.4 (MANE Select); coding-DNA position 1625, C replaced by T.
Protein change: p.Ala542Val; replaces alanine 542 with valine.
Molecular consequence: missense variant.
Genome position (GRCh38, 1-based): chr11:94,447,377, G>A on the plus strand (C>T on the coding strand, the complement: MRE11 is on the minus strand). VCF-style: chr11-94447377-G-A. GRCh37 (hg19) VCF-style: chr11-94180543-G-A.
Other names: c.1625C>T, p.Ala542Val (NM_001330347.2, NM_005590.4); short protein forms A542V.
Identifiers: ClinVar variation 3912876 (VCV003912876.2).